The following is an entry in ClinVar:

ClinVar aggregate classification (germline): Uncertain significance (1 of 4 stars; one submission).

Conditions:
Idiopathic generalized epilepsy. Also called: Generalised epilepsy; EIG. Identifiers: MedGen C0270850, MONDO:0005579, OMIM 600669.

gnomAD v4.1: 3 of 1,613,972 alleles (0.00019%); highest among the groups gnomAD compares: African/African-American, 0.0013%; no homozygotes.

Submission:

Labcorp Genetics (formerly Invitae), Labcorp
Classification: Uncertain significance for Idiopathic generalized epilepsy. Last evaluated: 2024-07-06. Review status: criteria provided, single submitter. Criteria: Invitae Variant Classification Sherloc (09022015). Collection method: clinical testing. Allele origin: germline.
Comment: This sequence change replaces lysine, which is basic and polar, with arginine, which is basic and polar, at codon 133 of the RBFOX1 protein (p.Lys133Arg). This variant is present in population databases (no rsID available, gnomAD 0.01%). This variant has not been reported in the literature in individuals affected with RBFOX1-related conditions. Advanced modeling of protein sequence and biophysical properties (such as structural, functional, and spatial information, amino acid conservation, physicochemical variation, residue mobility, and thermodynamic stability) has been performed at Invitae for this missense variant, however the output from this modeling did not meet the statistical confidence thresholds required to predict the impact of this variant on RBFOX1 protein function. In summary, the available evidence is currently insufficient to determine the role of this variant in disease. Therefore, it has been classified as a Variant of Uncertain Significance.

NM_018723.4(RBFOX1):c.338A>G (p.Lys113Arg)

Genes: RBFOX1 (RNA binding fox-1 homolog 1; plus strand), LOC126862278 (CDK7 strongly-dependent group 2 enhancer GRCh37_chr16:7629446-7630645; plus strand). Cytogenetic location: 16p13.3.
Variant type: single nucleotide variant.
Coding change: c.338A>G on transcript NM_018723.4 (MANE Select); coding-DNA position 338, A replaced by G.
Protein change: p.Lys113Arg; replaces lysine 113 with arginine.
Molecular consequence: missense variant.
Genome position (GRCh38, 1-based): chr16:7,579,844, A>G. VCF-style: chr16-7579844-A-G. GRCh37 (hg19) VCF-style: chr16-7629846-A-G.
Other names: c.398A>G, p.Lys133Arg (NM_145891.3, NM_145892.3, NM_145893.3 and 4 more transcripts); c.413A>G, p.Lys138Arg (NM_001415913.1, NM_001415890.1, NM_001415893.1 and 4 more transcripts); c.467A>G, p.Lys156Arg (NM_001415914.1, NM_001308117.1, NM_001411047.1 and 5 more transcripts); c.338A>G, p.Lys113Arg (NM_001415916.1, NM_001142333.2, NM_001142334.2 and 1 more transcripts); c.344A>G, p.Lys115Arg (NM_001415917.1, NM_001415902.1, NM_001415911.1); c.935A>G, p.Lys312Arg (NM_001415887.1, NM_001415888.1); c.446A>G, p.Lys149Arg (NM_001415889.1, NM_001415892.1, NM_001415894.1 and 5 more transcripts); short protein forms K113R, K115R, K133R, K138R, K149R, K156R, K312R.
Identifiers: ClinVar variation 3604749 (VCV003604749.2).